The following is an entry in ClinVar:

NM_005908.4(MANBA):c.*505G>A

Gene: MANBA (mannosidase beta; minus strand). Cytogenetic location: 4q24.
Variant type: single nucleotide variant.
Coding change: c.*505G>A on transcript NM_005908.4 (MANE Select); 505 bases downstream of the stop codon, G replaced by A.
Molecular consequence: 3 prime UTR variant.
Genome position (GRCh38, 1-based): chr4:102,631,552, C>T on the plus strand (G>A on the coding strand, the complement: MANBA is on the minus strand). VCF-style: chr4-102631552-C-T. GRCh37 (hg19) VCF-style: chr4-103552709-C-T.
Identifiers: ClinVar variation 347065 (VCV000347065.6), dbSNP rs1054037, ClinGen allele CA10619802.

ClinVar aggregate classification (germline): Benign. Review status: criteria provided, multiple submitters, no conflicts (2 of 4 stars). 2 submissions from 2 submitters: Benign (2). Last evaluated 2018-01-13.

Conditions:
Beta-D-mannosidosis (MANSB). Also called: LYSOSOMAL BETA-MANNOSIDASE DEFICIENCY; Beta-Mannosidosis; MANNOSIDOSIS, BETA A, LYSOSOMAL; BETA-MANNOSIDASE DEFICIENCY. Identifiers: Orphanet 118, MedGen C4048196, MONDO:0009562, OMIM 248510.

Allele frequency attached by ClinVar (database versions not stated): gnomAD 0.54146; 1000 Genomes Project 0.55032; TOPMed 0.56664; 1000 Genomes Project 30x 0.56059.
gnomAD v4.1: 209,786 of 398,924 alleles (53%); highest among the groups gnomAD compares: Admixed American, 63%; 56,163 homozygotes.

Submissions (2):

Illumina Laboratory Services, Illumina
Classification: Benign for Beta-D-mannosidosis. Last evaluated: 2018-01-13. Review status: criteria provided, single submitter. Criteria: ICSL Variant Classification Criteria 13 December 2019. Collection method: clinical testing. Allele origin: germline.
Comment: This variant was observed in the ICSL laboratory as part of a predisposition screen in an ostensibly healthy population. It had not been previously curated by ICSL or reported in the Human Gene Mutation Database (HGMD: prior to June 1st, 2018), and was therefore a candidate for classification through an automated scoring system. Utilizing variant allele frequency, disease prevalence and penetrance estimates, and inheritance mode, an automated score was calculated to assess if this variant is too frequent to cause the disease. Based on the score and internal cut-off values, a variant classified as benign is not then subjected to further curation. The score for this variant resulted in a classification of benign for this disease.

Breakthrough Genomics
Classification: Benign. Review status: criteria provided, single submitter. Criteria: ACMG Guidelines, 2015. Collection method: not provided. Allele origin: germline. Inheritance: Autosomal recessive inheritance. Affected: yes.